The following is an entry in ClinVar:

ClinVar aggregate classification (germline): Benign. Review status: criteria provided, multiple submitters, no conflicts (2 of 4 stars). 3 submissions from 3 submitters: Benign (3). Last evaluated 2025-07-28.

Conditions:
Neuropathy, hereditary sensory and autonomic, type 2B (HSAN2B). Also called: RETREG1-Related HSAN2 (HSAN2B). Identifiers: Orphanet 970, MedGen C2751092, MONDO:0013142, OMIM 613115.

Allele frequency attached by ClinVar (database versions not stated): 1000 Genomes Project 0.49541; 1000 Genomes Project 30x 0.49828; ExAC 0.55848; gnomAD exomes 0.56298 and 0.59428; gnomAD 0.56461 and 0.57203; TOPMed 0.56814; ESP Exome Variant Server 0.58332.
gnomAD v4.1: 951,034 of 1,608,890 alleles (59%); highest among the groups gnomAD compares: Non-Finnish European, 62%; 285,871 homozygotes.

Submissions (3):

ARUP Laboratories, Molecular Genetics and Genomics, ARUP Laboratories
Classification: Benign for Neuropathy, hereditary sensory and autonomic, type 2B. Last evaluated: 2025-07-28. Review status: criteria provided, single submitter. Criteria: ARUP Molecular Germline Variant Investigation Process 2024. Collection method: clinical testing. Allele origin: germline.

GeneDx
Classification: Benign. Last evaluated: 2016-01-09. Review status: criteria provided, single submitter. Criteria: GeneDx Variant Classification (06012015). Collection method: clinical testing. Allele origin: germline. Affected: yes.
Comment: This variant is considered likely benign or benign based on one or more of the following criteria: it is a conservative change, it occurs at a poorly conserved position in the protein, it is predicted to be benign by multiple in silico algorithms, and/or has population frequency not consistent with disease.

Breakthrough Genomics
Classification: Benign. Review status: criteria provided, single submitter. Criteria: ACMG Guidelines, 2015. Collection method: not provided. Allele origin: germline. Inheritance: Autosomal recessive inheritance. Affected: yes.

NM_001034850.3(RETREG1):c.459-25093T>C

Gene: RETREG1 (reticulophagy regulator 1; minus strand). Cytogenetic location: 5p15.1.
Variant type: single nucleotide variant.
Coding change: c.459-25093T>C on transcript NM_001034850.3 (MANE Select); 25093 bases into the intron before coding-DNA position 459, T replaced by C.
Molecular consequence: intron variant.
Genome position (GRCh38, 1-based): chr5:16,508,565, A>G on the plus strand (T>C on the coding strand, the complement: RETREG1 is on the minus strand). VCF-style: chr5-16508565-A-G. GRCh37 (hg19) VCF-style: chr5-16508674-A-G.
Other names: c.35+13T>C (NM_019000.5).
Identifiers: ClinVar variation 380792 (VCV000380792.17), dbSNP rs332811, ClinGen allele CA3210445.
Genomic context (GRCh38, chr5:16,508,565, plus strand): 5'-TAATATTTTTAAAAAGATAACTAGCCAGTGAAACAGACTGAAGAATAAGTACGTACGTAT[A>G]TATCACAATTACCTTTTGCCTGGTCCAAAGTCTTCACCTTCAGGCATTTCTGCCCTTTAA-3'